The following is an entry in ClinVar:

NM_001142800.2(EYS):c.2828G>A (p.Cys943Tyr)

Gene: EYS (EGF-like photoreceptor maintenance factor; minus strand). Cytogenetic location: 6q12.
Variant type: single nucleotide variant.
Coding change: c.2828G>A on transcript NM_001142800.2 (MANE Select); coding-DNA position 2828, G replaced by A.
Protein change: p.Cys943Tyr; replaces cysteine 943 with tyrosine.
Molecular consequence: missense variant.
Genome position (GRCh38, 1-based): chr6:64,902,131, C>T on the plus strand (G>A on the coding strand, the complement: EYS is on the minus strand). VCF-style: chr6-64902131-C-T. GRCh37 (hg19) VCF-style: chr6-65612024-C-T.
Other names: c.2828G>A, p.Cys943Tyr (NM_001292009.2); short protein forms C943Y.
Identifiers: ClinVar variation 968693 (VCV000968693.11), dbSNP rs986462667, ClinGen allele CA140379010.
Genomic context (GRCh38, chr6:64,902,131, plus strand): 5'-ACACACATCAAATAATTAATTTAATAAAAAGTAGCTTCTCACCTGTTTGTCAGATCCACA[C>T]ATGTTCCATTATTTTTGCAAGGTTCAGAGGAACATTCATTAATTTCAATTTCACACAGAG-3'
Protein context (NP_001136272.1, residues 933-953): SSEPCKNNGT[Cys943Tyr]VDLTNRFFCN

ClinVar aggregate classification (germline): Uncertain significance. Review status: criteria provided, multiple submitters, no conflicts (2 of 4 stars). 3 submissions from 3 submitters: Uncertain significance (2). 1 of the submissions does not count toward it. Last evaluated 2023-09-14.

Conditions:
Retinitis pigmentosa 25 (RP25). Identifiers: Orphanet 791, MedGen C1864446, MONDO:0011272, OMIM 602772.

Allele frequency attached by ClinVar (database versions not stated): TOPMed 0.00001.

Submissions (3):

Blueprint Genetics
Classification: Uncertain significance. Last evaluated: 2023-09-14. Review status: criteria provided, single submitter. Criteria: ACMG Guidelines, 2015. Collection method: clinical testing. Allele origin: germline.

Labcorp Genetics (formerly Invitae), Labcorp
Classification: Uncertain significance. Last evaluated: 2019-11-06. Review status: criteria provided, single submitter. Criteria: Invitae Variant Classification Sherloc (09022015). Collection method: clinical testing. Allele origin: germline.
Comment: This variant is not present in population databases (ExAC no frequency). This sequence change replaces cysteine with tyrosine at codon 943 of the EYS protein (p.Cys943Tyr). The cysteine residue is highly conserved and there is a large physicochemical difference between cysteine and tyrosine. In summary, the available evidence is currently insufficient to determine the role of this variant in disease. Therefore, it has been classified as a Variant of Uncertain Significance. Algorithms developed to predict the effect of missense changes on protein structure and function output the following: SIFT: "Deleterious"; PolyPhen-2: "Possibly Damaging"; Align-GVGD: "Class C65". The tyrosine amino acid residue is found in multiple mammalian species, suggesting that this missense change does not adversely affect protein function. These predictions have not been confirmed by published functional studies and their clinical significance is uncertain. This variant has not been reported in the literature in individuals with EYS-related conditions.

Natera, Inc.
Classification: Uncertain significance for Retinitis pigmentosa type 25. Last evaluated: 2020-02-12. Review status: no assertion criteria provided. Collection method: clinical testing. Allele origin: germline. Not counted in ClinVar's aggregate classification.